The following is an entry in ClinVar:

NM_000426.4(LAMA2):c.3085C>T (p.Arg1029Ter)

Gene: LAMA2 (laminin subunit alpha 2; plus strand). Cytogenetic location: 6q22.33.
Variant type: single nucleotide variant.
Coding change: c.3085C>T on transcript NM_000426.4 (MANE Select); coding-DNA position 3085, C replaced by T.
Protein change: p.Arg1029Ter; replaces arginine 1029 with a stop codon.
Molecular consequence: nonsense.
Genome position (GRCh38, 1-based): chr6:129,300,783, C>T. VCF-style: chr6-129300783-C-T. GRCh37 (hg19) VCF-style: chr6-129621928-C-T.
Other names: c.3085C>T, p.Arg1029Ter (NM_001079823.2); short protein forms R1029*.
Identifiers: ClinVar variation 551522 (VCV000551522.51), dbSNP rs145420388, ClinGen allele CA3993164.

ClinVar aggregate classification (germline): Pathogenic. Review status: criteria provided, multiple submitters, no conflicts (2 of 4 stars). 9 submissions from 9 submitters: Pathogenic (8). 1 of the submissions does not count toward it. Last evaluated 2025-12-23.

Conditions:
Merosin deficient congenital muscular dystrophy (MDC1A). Also called: Congenital Muscular Dystrophy Type 1A (MDC1A); Congenital merosin-deficient muscular dystrophy 1A. Identifiers: Orphanet 258, MedGen C1263858, MONDO:0011925, OMIM 607855.
Muscular dystrophy, limb-girdle, autosomal recessive 23. Identifiers: Orphanet 565837, MedGen C4748327, MONDO:0029136, OMIM 618138.
LAMA2-related muscular dystrophy (LAMA2-RD). Also called: Laminin alpha 2-related dystrophy. Identifiers: MedGen C5679788, MONDO:0100228.
LAMA2-related disorder. Also called: LAMA2-related disorders; LAMA2-related condition.

Allele frequency attached by ClinVar (database versions not stated): TOPMed 0.00001; gnomAD 0.00003.
gnomAD v4.1: 13 of 1,613,276 alleles (0.00081%); highest among the groups gnomAD compares: Admixed American, 0.0017%; no homozygotes.

Submissions (9):

Labcorp Genetics (formerly Invitae), Labcorp
Classification: Pathogenic for LAMA2-related muscular dystrophy. Last evaluated: 2025-12-23. Review status: criteria provided, single submitter. Criteria: Invitae Variant Classification Sherloc (09022015). Collection method: clinical testing. Allele origin: germline.
Comment: This sequence change creates a premature translational stop signal (p.Arg1029*) in the LAMA2 gene. It is expected to result in an absent or disrupted protein product. Loss-of-function variants in LAMA2 are known to be pathogenic (PMID: 18700894, 32904964). This variant is present in population databases (rs145420388, gnomAD 0.003%). This premature translational stop signal has been observed in individuals with congenital merosin-deficient muscular dystrophy (PMID: 18700894, 20207543, 27858771). ClinVar contains an entry for this variant (Variation ID: 551522). For these reasons, this variant has been classified as Pathogenic.

Dasa
Classification: Pathogenic. Last evaluated: 2025-06-16. Review status: criteria provided, single submitter. Criteria: DASA Assertion Criteria. Collection method: clinical testing. Allele origin: germline.
Comment: NM_000426.4(LAMA2):c.3085C>T (p.Arg1029*) introduces a premature termination codon predicted to result in loss of normal protein function. Loss-of-function is an established mechanism of disease for this gene. This variant has been recurrently observed in individuals with related phenotype (PMID: 18700894; PMID: 27858771). The variant is present at low frequency in population datasets. Based on the available data, this variant is classified as pathogenic.

Fulgent Genetics
Classification: Pathogenic for Merosin deficient congenital muscular dystrophy; Muscular dystrophy, limb-girdle, autosomal recessive 23. Last evaluated: 2024-05-29. Review status: criteria provided, single submitter. Criteria: ACMG Guidelines, 2015. Collection method: clinical testing. Allele origin: germline.

Baylor Genetics
Classification: Pathogenic for Merosin deficient congenital muscular dystrophy. Last evaluated: 2024-02-24. Review status: criteria provided, single submitter. Criteria: ACMG Guidelines, 2015. Collection method: clinical testing. Allele origin: unknown.

Blueprint Genetics
Classification: Pathogenic for LAMA2-related disorders. Last evaluated: 2023-02-14. Review status: criteria provided, single submitter. Criteria: ACMG Guidelines, 2015. Collection method: clinical testing. Allele origin: germline. Affected: yes. Observed: 5 variant alleles.

3billion
Classification: Pathogenic for Merosin deficient congenital muscular dystrophy. Last evaluated: 2022-03-22. Review status: criteria provided, single submitter. Criteria: ACMG Guidelines, 2015. Collection method: clinical testing. Allele origin: germline. Affected: yes. Observed: 1 heterozygote.
Comment: Stop-gained (nonsense): predicted to result in a loss or disruption of normal protein function through nonsense-mediated decay (NMD) or protein truncation. Multiple pathogenic variants are reported downstream of the variant. The variant has been reported at least twice as pathogenic/likely pathogenic with clinical assertions and evidence for the classification (ClinVar ID: VCV000551522, PMID:11938437). The variant is observed at an extremely low frequency in the gnomAD v2.1.1 dataset (total allele frequency:0.0000079). Therefore, this variant is classified as pathogenic according to the recommendation of ACMG/AMP guideline.

CeGaT Center for Human Genetics Tuebingen
Classification: Pathogenic. Last evaluated: 2021-09-01. Review status: criteria provided, single submitter. Criteria: CeGaT Center For Human Genetics Tuebingen Variant Classification Criteria Version 2. Collection method: clinical testing. Allele origin: germline. Affected: yes. Observed: 1 variant allele.

Mendelics
Classification: Pathogenic for Merosin deficient congenital muscular dystrophy. Last evaluated: 2019-05-28. Review status: criteria provided, single submitter. Criteria: Mendelics Assertion Criteria 2017. Collection method: clinical testing. Allele origin: unknown.

Counsyl
Classification: Pathogenic for Merosin deficient congenital muscular dystrophy. Last evaluated: 2017-04-14. Review status: no assertion criteria provided. Collection method: clinical testing. Allele origin: unknown. Not counted in ClinVar's aggregate classification.

Literature cited by the submitters: PubMed 18700894 (cited by 3 submitters); PubMed 32904964 (cited by Labcorp Genetics (formerly Invitae), Labcorp); PubMed 20207543 (cited by Labcorp Genetics (formerly Invitae), Labcorp); PubMed 27858771 (cited by Labcorp Genetics (formerly Invitae), Labcorp and Dasa); PubMed 11938437 (cited by 3billion).